The following is an entry in ClinVar:

NM_015450.3(POT1):c.803G>C (p.Gly268Ala)

Gene: POT1 (protection of telomeres 1; minus strand). Cytogenetic location: 7q31.33.
Variant type: single nucleotide variant.
Coding change: c.803G>C on transcript NM_015450.3 (MANE Select); coding-DNA position 803, G replaced by C.
Protein change: p.Gly268Ala; replaces glycine 268 with alanine.
Molecular consequence: missense variant. On other transcripts: non-coding transcript variant (3).
Genome position (GRCh38, 1-based): chr7:124,853,038, C>G on the plus strand (G>C on the coding strand, the complement: POT1 is on the minus strand). VCF-style: chr7-124853038-C-G. GRCh37 (hg19) VCF-style: chr7-124493092-C-G.
Other names: c.410G>C, p.Gly137Ala (NM_001042594.2); short protein forms G137A, G268A.
Identifiers: ClinVar variation 2093016 (VCV002093016.4), dbSNP rs2116504751, ClinGen allele CA369055384.

ClinVar aggregate classification (germline): Uncertain significance (1 of 4 stars; one submission).

Conditions:
Tumor predisposition syndrome 3 (TPDS3). Also called: Melanoma, cutaneous malignant, susceptibility to, 10; Glioma susceptibility 9; LONG TELOMERE SYNDROME, POT1-RELATED; POT1 Tumor Predisposition. Identifiers: Orphanet 618, MedGen C4014476, MONDO:0014368, OMIM 615848.

Submission:

Labcorp Genetics (formerly Invitae), Labcorp
Classification: Uncertain significance for Tumor predisposition syndrome 3. Last evaluated: 2024-03-06. Review status: criteria provided, single submitter. Criteria: Invitae Variant Classification Sherloc (09022015). Collection method: clinical testing. Allele origin: germline.
Comment: This sequence change replaces glycine, which is neutral and non-polar, with alanine, which is neutral and non-polar, at codon 268 of the POT1 protein (p.Gly268Ala). This variant is not present in population databases (gnomAD no frequency). This variant has not been reported in the literature in individuals affected with POT1-related conditions. ClinVar contains an entry for this variant (Variation ID: 2093016). Advanced modeling of protein sequence and biophysical properties (such as structural, functional, and spatial information, amino acid conservation, physicochemical variation, residue mobility, and thermodynamic stability) performed at Invitae indicates that this missense variant is not expected to disrupt POT1 protein function with a negative predictive value of 80%. In summary, the available evidence is currently insufficient to determine the role of this variant in disease. Therefore, it has been classified as a Variant of Uncertain Significance.